The following is an entry in ClinVar:

NM_001134407.3(GRIN2A):c.750G>A (p.Gly250=)

Gene: GRIN2A (glutamate ionotropic receptor NMDA type subunit 2A; minus strand). Cytogenetic location: 16p13.2.
Variant type: single nucleotide variant.
Coding change: c.750G>A on transcript NM_001134407.3 (MANE Select); coding-DNA position 750, G replaced by A.
Protein change: p.Gly250=; no amino-acid change (glycine 250 retained).
Molecular consequence: synonymous variant.
Genome position (GRCh38, 1-based): chr16:9,938,216, C>T on the plus strand (G>A on the coding strand, the complement: GRIN2A is on the minus strand). VCF-style: chr16-9938216-C-T. GRCh37 (hg19) VCF-style: chr16-10032073-C-T.
Other names: c.750G>A, p.Gly250= (NM_000833.5, NM_001134408.2).
Identifiers: ClinVar variation 3639201 (VCV003639201.4).

ClinVar aggregate classification (germline): Likely benign. Review status: criteria provided, multiple submitters, no conflicts (2 of 4 stars). 2 submissions from 2 submitters: Likely benign (2). Last evaluated 2026-06-01.

Conditions:
Landau-Kleffner syndrome (FESD). Also called: EPILEPSY, FOCAL, WITH SPEECH DISORDER AND WITH OR WITHOUT MENTAL RETARDATION; APHASIA, ACQUIRED, WITH EPILEPSY. Identifiers: Orphanet 1945, Orphanet 725, Orphanet 98818, MedGen C0282512, MONDO:0009509, OMIM 245570.

gnomAD v4.1: 3 of 1,614,032 alleles (0.00019%); highest among the groups gnomAD compares: Middle Eastern, 0.016%; no homozygotes.

Submissions (2):

CeGaT Center for Human Genetics Tuebingen
Classification: Likely benign. Last evaluated: 2026-06-01. Review status: criteria provided, single submitter. Criteria: CeGaT Center For Human Genetics Tuebingen Variant Classification Criteria Version 2. Collection method: clinical testing. Allele origin: germline. Affected: yes. Observed: 1 variant allele.
Comment: GRIN2A: BP4, BP7

Labcorp Genetics (formerly Invitae), Labcorp
Classification: Likely benign for Landau-Kleffner syndrome. Last evaluated: 2025-07-21. Review status: criteria provided, single submitter. Criteria: Invitae Variant Classification Sherloc (09022015). Collection method: clinical testing. Allele origin: germline.